The following is an entry in ClinVar:

NM_024675.4(PALB2):c.2556del (p.Gly853fs)

Gene: PALB2 (partner and localizer of BRCA2; minus strand). Cytogenetic location: 16p12.2.
Variant type: Deletion.
Coding change: c.2556del on transcript NM_024675.4 (MANE Select); coding-DNA position 2556, one base deleted (A; older notation c.2556delA).
Protein change: p.Gly853fs; shifts the reading frame from glycine 853.
Molecular consequence: frameshift variant. On other transcripts: intron variant (1).
Genome position (GRCh38, 1-based): chr16:23,629,234, T deleted on the plus strand (A on the coding strand, the reverse complement: PALB2 is on the minus strand). VCF-style (leftmost placement, unchanged base first): chr16-23629233-CT-C. GRCh37 (hg19) VCF-style: chr16-23640554-CT-C.
Other names: c.2496del, p.Gly833fs (NM_001407296.1); c.2556del, p.Gly853fs (NM_001407298.1, NM_001407299.1, NM_001407300.1 and 2 more transcripts); c.1671del, p.Gly558fs (NM_001407304.1, NM_001407305.1, NM_001407306.1 and 5 more transcripts); c.768del, p.Gly257fs (NM_001407312.1, NM_001407313.1); c.90del, p.Gly31fs (NM_001407314.1); c.2514+406del (NM_001407297.1); short protein forms G257fs, G31fs, G558fs, G833fs, G853fs.
Identifiers: ClinVar variation 4530661 (VCV004530661.1).

ClinVar aggregate classification (germline): Pathogenic (1 of 4 stars; one submission).

Conditions:
Inherited breast cancer and ovarian cancer.

Submission:

Genetics Laboratory, Great Ormond Street Hospital NHS Foundation Trust, North Thames Genomic Laboratory Hub
Classification: Pathogenic for Inherited breast cancer and ovarian cancer. Last evaluated: 2025-09-25. Review status: criteria provided, single submitter. Criteria: CanVIG PALB2 Gene Specific V1.2. Collection method: clinical testing. Allele origin: germline. Affected: yes.
Comment: PM2_supporting, PVS1_very-strong, PM5_supporting